The following is an entry in ClinVar:

NM_001844.5(COL2A1):c.158G>A (p.Arg53Gln)

Gene: COL2A1 (collagen type II alpha 1 chain; minus strand). Cytogenetic location: 12q13.11.
Variant type: single nucleotide variant.
Coding change: c.158G>A on transcript NM_001844.5 (MANE Select); coding-DNA position 158, G replaced by A.
Protein change: p.Arg53Gln; replaces arginine 53 with glutamine.
Molecular consequence: missense variant. On other transcripts: intron variant (1).
Genome position (GRCh38, 1-based): chr12:48,000,053, C>T on the plus strand (G>A on the coding strand, the complement: COL2A1 is on the minus strand). VCF-style: chr12-48000053-C-T. GRCh37 (hg19) VCF-style: chr12-48393836-C-T.
Other names: c.86-1622G>A (NM_033150.3); short protein forms R53Q.
Identifiers: ClinVar variation 975372 (VCV000975372.41), dbSNP rs370821294, ClinGen allele CA6536082.

ClinVar aggregate classification (germline): Likely benign. Review status: criteria provided, multiple submitters, no conflicts (2 of 4 stars). 5 submissions from 5 submitters: Likely benign (4). 1 of the submissions does not count toward it. Last evaluated 2026-02-01.

Conditions:
Intellectual disability. Also called: Intellectual developmental disorder; intellectual disabilities; Intellectual functioning disability. Identifiers: MedGen C3714756, MeSH D008607, MONDO:0001071, HP:0001249.

Allele frequency attached by ClinVar (database versions not stated): gnomAD exomes 0.00002 and 0.00004; ExAC 0.00006; TOPMed 0.00007; ESP Exome Variant Server 0.00008; gnomAD 0.00011 and 0.00013.
gnomAD v4.1: 47 of 1,613,890 alleles (0.0029%); highest among the groups gnomAD compares: African/African-American, 0.0053%; no homozygotes.

Submissions (5):

CeGaT Center for Human Genetics Tuebingen
Classification: Likely benign. Last evaluated: 2026-02-01. Review status: criteria provided, single submitter. Criteria: CeGaT Center For Human Genetics Tuebingen Variant Classification Criteria Version 2. Collection method: clinical testing. Allele origin: germline. Affected: yes. Observed: 2 variant alleles.
Comment: COL2A1: PP2, BP4, BS2

Labcorp Genetics (formerly Invitae), Labcorp
Classification: Likely benign. Last evaluated: 2025-12-31. Review status: criteria provided, single submitter. Criteria: Invitae Variant Classification Sherloc (09022015). Collection method: clinical testing. Allele origin: germline.

Laboratory of Genetics, Children's Clinical University Hospital Latvia
Classification: Likely benign. Last evaluated: 2025-02-16. Review status: criteria provided, single submitter. Criteria: ACMG Guidelines, 2015. Collection method: clinical testing. Allele origin: germline. Affected: yes.

Blueprint Genetics
Classification: Likely benign. Last evaluated: 2024-09-05. Review status: criteria provided, single submitter. Criteria: ACMG Guidelines, 2015. Collection method: clinical testing. Allele origin: germline.

Centre de Biologie Pathologie Génétique, Centre Hospitalier Universitaire de Lille
Classification: Likely benign for Intellectual disability. Last evaluated: 2019-01-01. Review status: no assertion criteria provided. Collection method: clinical testing. Allele origin: inherited. Affected: yes. Not counted in ClinVar's aggregate classification.